The following is an entry in ClinVar:

NM_001374385.1(ATP8B1):c.3492A>T (p.Arg1164=)

Genes: ATP8B1 (ATPase phospholipid transporting 8B1; minus strand), ATP8B1-AS1 (ATP8B1 antisense RNA 1; plus strand). Cytogenetic location: 18q21.31.
Variant type: single nucleotide variant.
Coding change: c.3492A>T on transcript NM_001374385.1 (MANE Select); coding-DNA position 3492, A replaced by T.
Protein change: p.Arg1164=; no amino-acid change (arginine 1164 retained).
Molecular consequence: synonymous variant.
Genome position (GRCh38, 1-based): chr18:57,650,406, T>A on the plus strand (A>T on the coding strand, the complement: ATP8B1 is on the minus strand). VCF-style: chr18-57650406-T-A. GRCh37 (hg19) VCF-style: chr18-55317638-T-A.
Other names: c.3492A>T (NM_005603.4); c.3342A>T, p.Arg1114= (NM_001374386.1); c.3492A>T, p.Arg1164= (NM_005603.6).
Identifiers: ClinVar variation 3001980 (VCV003001980.4), dbSNP rs772704126, ClinGen allele CA8973997.

ClinVar aggregate classification (germline): Likely benign. Review status: criteria provided, multiple submitters, no conflicts (2 of 4 stars). 2 submissions from 2 submitters: Likely benign (2). Last evaluated 2025-10-13.

Conditions:
ATP8B1-related disorder. Also called: ATP8B1-related condition; ATP8B1-related disorders.

Allele frequency attached by ClinVar (database versions not stated): gnomAD exomes below 0.00001; ExAC 0.00001; TOPMed 0.00001; gnomAD 0.00002.
gnomAD v4.1: 4 of 1,613,858 alleles (0.00025%); highest among the groups gnomAD compares: African/African-American, 0.0053%; no homozygotes.

Submissions (2):

PreventionGenetics, part of Exact Sciences
Classification: Likely benign for ATP8B1-related condition. Last evaluated: 2025-10-13. Review status: criteria provided, single submitter. Criteria: ACMG Guidelines, 2015. Collection method: clinical testing. Allele origin: germline.
Comment: This variant is classified as likely benign based on ACMG/AMP sequence variant interpretation guidelines (Richards et al. 2015 PMID: 25741868, with internal and published modifications).

Labcorp Genetics (formerly Invitae), Labcorp
Classification: Likely benign. Last evaluated: 2023-10-14. Review status: criteria provided, single submitter. Criteria: Invitae Variant Classification Sherloc (09022015). Collection method: clinical testing. Allele origin: germline.